The following is an entry in ClinVar:

ClinVar aggregate classification (germline): Uncertain significance (1 of 4 stars; one submission).

Conditions:
Familial adenomatous polyposis 1 (FAP1). Also called: FAMILIAL ADENOMATOUS POLYPOSIS 1, ATTENUATED; POLYPOSIS, ADENOMATOUS INTESTINAL. Identifiers: MedGen C2713442, MONDO:0021056, OMIM 175100. Disease mechanism: loss of function.

Submission:

Labcorp Genetics (formerly Invitae), Labcorp
Classification: Uncertain significance for Familial adenomatous polyposis 1. Last evaluated: 2026-02-03. Review status: criteria provided, single submitter. Criteria: Invitae Variant Classification Sherloc (09022015). Collection method: clinical testing. Allele origin: germline.
Comment: This variant occurs in a non-coding region of the APC gene. It does not change the encoded amino acid sequence of the APC protein. This variant is not present in population databases (gnomAD no frequency). This variant has not been reported in the literature in individuals affected with APC-related conditions. Experimental studies and prediction algorithms are not available or were not evaluated, and the functional significance of this variant is currently unknown. In summary, the available evidence is currently insufficient to determine the role of this variant in disease. Therefore, it has been classified as a Variant of Uncertain Significance.

NM_001127511.3(APC):c.35C>T (p.Pro12Leu)

Gene: APC (APC regulator of Wnt signaling pathway; plus strand). Cytogenetic location: 5q22.2.
Variant type: single nucleotide variant.
Coding change: c.35C>T on transcript NM_001127511.3; coding-DNA position 35, C replaced by T.
Protein change: p.Pro12Leu; replaces proline 12 with leucine.
Molecular consequence: missense variant. On other transcripts: 5 prime UTR variant (8), non-coding transcript variant (1), intron variant (5).
Genome position (GRCh38, 1-based): chr5:112,707,752, C>T. VCF-style: chr5-112707752-C-T. GRCh37 (hg19) VCF-style: chr5-112043449-C-T.
Other names: c.-149C>T (NM_001354895.2, NM_001407447.1, NM_001407452.1 and 3 more transcripts); c.35C>T, p.Pro12Leu (NM_001354897.2, NM_001354902.2, NM_001407446.1); c.-1184C>T (NM_001407470.1, NM_001407472.1); c.-19+103C>T (NM_001407448.1, NM_001407450.1, NM_001407457.1 and 1 more transcripts); c.-43+103C>T (NM_001407453.1); short protein forms P12L.
Identifiers: ClinVar variation 2073662 (VCV002073662.4), dbSNP rs2531739705, ClinGen allele CA360611707.
Genomic context (GRCh38, chr5:112,707,752, plus strand): 5'-TGCCTTCTCGGGCCTCGGCGCCCCCTATGTACGCCTCCCTGGGCTCGGGTCCGGTCGCCC[C>T]TTTGCCCGCTTCTGTACCACCCTCAGTTCTCGGGTCCTGGAGCACCGGCGGCAGCAGGAG-3'